The following is an entry in ClinVar:

ClinVar aggregate classification (germline): Uncertain significance (1 of 4 stars; one submission).

Conditions:
Autoimmune lymphoproliferative syndrome type 2A (ALPS2A). Also called: AUTOIMMUNE LYMPHOPROLIFERATIVE SYNDROME, TYPE IIA; CASP10-Related Autoimmune Lymphoproliferative Syndrome; Autoimmune lymphoproliferative syndrome type 2. Identifiers: Orphanet 3261, MedGen C1858968, MONDO:0011383, OMIM 603909.

Allele frequency attached by ClinVar (database versions not stated): gnomAD exomes below 0.00001; ExAC 0.00001.

Submission:

Labcorp Genetics (formerly Invitae), Labcorp
Classification: Uncertain significance for Autoimmune lymphoproliferative syndrome type 2A. Last evaluated: 2021-04-03. Review status: criteria provided, single submitter. Criteria: Invitae Variant Classification Sherloc (09022015). Collection method: clinical testing. Allele origin: germline.
Comment: This sequence change replaces valine with alanine at codon 452 of the CASP10 protein (p.Val452Ala). The valine residue is moderately conserved and there is a small physicochemical difference between valine and alanine. This variant is present in population databases (rs757598550, ExAC 0.002%). In summary, the available evidence is currently insufficient to determine the role of this variant in disease. Therefore, it has been classified as a Variant of Uncertain Significance. Algorithms developed to predict the effect of missense changes on protein structure and function (SIFT, PolyPhen-2, Align-GVGD) all suggest that this variant is likely to be tolerated, but these predictions have not been confirmed by published functional studies and their clinical significance is uncertain. This variant has not been reported in the literature in individuals with CASP10-related conditions.

NM_032977.4(CASP10):c.1355T>C (p.Val452Ala)

Gene: CASP10 (caspase 10; plus strand). Cytogenetic location: 2q33.1.
Variant type: single nucleotide variant.
Coding change: c.1355T>C on transcript NM_032977.4 (MANE Select); coding-DNA position 1355, T replaced by C.
Protein change: p.Val452Ala; replaces valine 452 with alanine.
Molecular consequence: missense variant. On other transcripts: 3 prime UTR variant (1).
Genome position (GRCh38, 1-based): chr2:201,209,502, T>C. VCF-style: chr2-201209502-T-C. GRCh37 (hg19) VCF-style: chr2-202074225-T-C.
Other names: c.1154T>C, p.Val385Ala (NM_001206524.2); c.1226T>C, p.Val409Ala (NM_001206542.2, NM_001230.5); c.1355T>C, p.Val452Ala (NM_032974.5); c.*441T>C (NM_032976.4); short protein forms V452A, V385A, V409A.
Identifiers: ClinVar variation 1494185 (VCV001494185.8), dbSNP rs757598550, ClinGen allele CA2053229.